The following is an entry in ClinVar:

ClinVar aggregate classification (germline): Uncertain significance (1 of 4 stars; one submission).

Conditions:
Hereditary spastic paraplegia 4. Also called: Familial spastic paraplegia autosomal dominant 2; Spastic paraplegia 4, autosomal dominant; Spastic Paraplegia 4. Identifiers: Orphanet 100985, MedGen C1866855, MONDO:0008438, OMIM 182601.

Allele frequency attached by ClinVar (database versions not stated): gnomAD 0.00001; ExAC 0.00007.
gnomAD v4.1: 23 of 1,599,338 alleles (0.0014%); highest among the groups gnomAD compares: Admixed American, 0.02%; 1 homozygote.

Submission:

Labcorp Genetics (formerly Invitae), Labcorp
Classification: Uncertain significance for Hereditary spastic paraplegia 4. Last evaluated: 2024-09-06. Review status: criteria provided, single submitter. Criteria: Invitae Variant Classification Sherloc (09022015). Collection method: clinical testing. Allele origin: germline.
Comment: This sequence change replaces arginine, which is basic and polar, with cysteine, which is neutral and slightly polar, at codon 176 of the SPAST protein (p.Arg176Cys). This variant is present in population databases (rs775364035, gnomAD 0.006%). This variant has not been reported in the literature in individuals affected with SPAST-related conditions. ClinVar contains an entry for this variant (Variation ID: 2105318). Invitae Evidence Modeling of protein sequence and biophysical properties (such as structural, functional, and spatial information, amino acid conservation, physicochemical variation, residue mobility, and thermodynamic stability) indicates that this missense variant is expected to disrupt SPAST protein function with a positive predictive value of 95%. In summary, the available evidence is currently insufficient to determine the role of this variant in disease. Therefore, it has been classified as a Variant of Uncertain Significance.

NM_014946.4(SPAST):c.526C>T (p.Arg176Cys)

Gene: SPAST (spastin; plus strand). Cytogenetic location: 2p22.3.
Variant type: single nucleotide variant.
Coding change: c.526C>T on transcript NM_014946.4 (MANE Select); coding-DNA position 526, C replaced by T.
Protein change: p.Arg176Cys; replaces arginine 176 with cysteine.
Molecular consequence: missense variant.
Genome position (GRCh38, 1-based): chr2:32,089,545, C>T. VCF-style: chr2-32089545-C-T. GRCh37 (hg19) VCF-style: chr2-32314614-C-T.
Other names: c.523C>T, p.Arg175Cys (NM_001363823.2, NM_001363875.2); c.526C>T, p.Arg176Cys (NM_001377959.1, NM_199436.2); short protein forms R176C, R175C.
Identifiers: ClinVar variation 2105318 (VCV002105318.4), dbSNP rs775364035, ClinGen allele CA1600618.